The following is an entry in ClinVar:

NM_013247.5(HTRA2):c.1031G>A (p.Arg344His)

Gene: HTRA2 (HtrA serine peptidase 2; plus strand). Cytogenetic location: 2p13.1.
Variant type: single nucleotide variant.
Coding change: c.1031G>A on transcript NM_013247.5 (MANE Select); coding-DNA position 1031, G replaced by A.
Protein change: p.Arg344His; replaces arginine 344 with histidine.
Molecular consequence: missense variant. On other transcripts: non-coding transcript variant (4).
Genome position (GRCh38, 1-based): chr2:74,531,688, G>A. VCF-style: chr2-74531688-G-A. GRCh37 (hg19) VCF-style: chr2-74758815-G-A.
Other names: c.1061G>A, p.Arg354His (NM_001321727.1); c.1031G>A, p.Arg344His (NM_001321728.1); c.836G>A, p.Arg279His (NM_145074.2); short protein forms R279H, R344H, R354H.
Identifiers: ClinVar variation 1502185 (VCV001502185.5), dbSNP rs201615648, ClinGen allele CA1728527.

ClinVar aggregate classification (germline): Uncertain significance (1 of 4 stars; one submission).

Allele frequency attached by ClinVar (database versions not stated): gnomAD 0.00001; gnomAD exomes 0.00001 and 0.00002; TOPMed 0.00001; 1000 Genomes Project 30x 0.00031; ExAC 0.00002; 1000 Genomes Project 0.00020.
gnomAD v4.1: 20 of 1,614,070 alleles (0.0012%); highest among the groups gnomAD compares: Admixed American, 0.013%; no homozygotes.

Submission:

Labcorp Genetics (formerly Invitae), Labcorp
Classification: Uncertain significance. Last evaluated: 2022-06-18. Review status: criteria provided, single submitter. Criteria: Invitae Variant Classification Sherloc (09022015). Collection method: clinical testing. Allele origin: germline.
Comment: This sequence change replaces arginine, which is basic and polar, with histidine, which is basic and polar, at codon 344 of the HTRA2 protein (p.Arg344His). This variant is present in population databases (rs201615648, gnomAD 0.006%). This variant has not been reported in the literature in individuals affected with HTRA2-related conditions. Algorithms developed to predict the effect of missense changes on protein structure and function are either unavailable or do not agree on the potential impact of this missense change (SIFT: "Deleterious"; PolyPhen-2: "Benign"; Align-GVGD: "Class C0"). In summary, the available evidence is currently insufficient to determine the role of this variant in disease. Therefore, it has been classified as a Variant of Uncertain Significance.